The following is an entry in ClinVar:

NM_004548.3(NDUFB10):c.303G>C (p.Gln101His)

Genes: NDUFB10 (NADH:ubiquinone oxidoreductase subunit B10; plus strand), LOC130058198 (ATAC-STARR-seq lymphoblastoid active region 10241; plus strand). Cytogenetic location: 16p13.3.
Variant type: single nucleotide variant.
Coding change: c.303G>C on transcript NM_004548.3 (MANE Select); coding-DNA position 303, G replaced by C.
Protein change: p.Gln101His; replaces glutamine 101 with histidine.
Molecular consequence: missense variant.
Genome position (GRCh38, 1-based): chr16:1,961,530, G>C. VCF-style: chr16-1961530-G-C. GRCh37 (hg19) VCF-style: chr16-2011531-G-C.
Other names: short protein forms Q101H.
Identifiers: ClinVar variation 4728774 (VCV004728774.1).
Genomic context (GRCh38, chr16:1,961,530, plus strand): 5'-GCCTCTCTTGCTCCTTTTCTCCACCAGCAAAGTCGACCAAGAAATTATCAACATTATGCA[G>C]GATCGGCTCAAAGCCTGTCAGCAGAGGGAAGGACAGAACTACCAGCAGAACTGTATCAAG-3'
Protein context (NP_004539.1, residues 91-111): KVDQEIINIM[Gln101His]DRLKACQQRE

ClinVar aggregate classification (germline): Uncertain significance (1 of 4 stars; one submission).

Submission:

Labcorp Genetics (formerly Invitae), Labcorp
Classification: Uncertain significance. Last evaluated: 2025-10-10. Review status: criteria provided, single submitter. Criteria: Invitae Variant Classification Sherloc (09022015). Collection method: clinical testing. Allele origin: germline.
Comment: This sequence change replaces glutamine, which is neutral and polar, with histidine, which is basic and polar, at codon 101 of the NDUFB10 protein (p.Gln101His). This variant is not present in population databases (gnomAD no frequency). This variant has not been reported in the literature in individuals affected with NDUFB10-related conditions. An algorithm developed to predict the effect of missense changes on protein structure and function (PolyPhen-2) suggests that this variant is likely to be disruptive. In summary, the available evidence is currently insufficient to determine the role of this variant in disease. Therefore, it has been classified as a Variant of Uncertain Significance.